The following is an entry in ClinVar:

NM_016378.3(VCX2):c.273G>A (p.Pro91=)

Genes: VCX2 (variable charge X-linked 2; minus strand), LOC106029241 (S232-VCX2 recombination region; plus strand). Cytogenetic location: Xp22.31.
Variant type: single nucleotide variant.
Coding change: c.273G>A on transcript NM_016378.3 (MANE Select); coding-DNA position 273, G replaced by A.
Protein change: p.Pro91=; no amino-acid change (proline 91 retained).
Molecular consequence: synonymous variant.
Genome position (GRCh38, 1-based): chrX:8,170,179, C>T on the plus strand (G>A on the coding strand, the complement: VCX2 is on the minus strand). VCF-style: chrX-8170179-C-T. GRCh37 (hg19) VCF-style: chrX-8138220-C-T.
Identifiers: ClinVar variation 2659927 (VCV002659927.24), dbSNP rs369359697, ClinGen allele CA10343079.

ClinVar aggregate classification (germline): Likely benign (1 of 4 stars; one submission).

Allele frequency attached by ClinVar (database versions not stated): gnomAD exomes 0.00015; ExAC 0.00040; gnomAD 0.00044; ESP Exome Variant Server 0.00077.
gnomAD v4.1: 195 of 1,137,809 alleles (0.017%); highest among the groups gnomAD compares: African/African-American, 0.19%; no homozygotes.

Submission:

CeGaT Center for Human Genetics Tuebingen
Classification: Likely benign. Last evaluated: 2022-04-01. Review status: criteria provided, single submitter. Criteria: CeGaT Center For Human Genetics Tuebingen Variant Classification Criteria Version 2. Collection method: clinical testing. Allele origin: germline. Affected: yes. Observed: 1 variant allele.
Comment: VCX2: BP4, BP7